The following is an entry in ClinVar:

NM_000153.4(GALC):c.1892C>T (p.Thr631Ile)

Gene: GALC (galactosylceramidase; minus strand). Cytogenetic location: 14q31.3.
Variant type: single nucleotide variant.
Coding change: c.1892C>T on transcript NM_000153.4 (MANE Select); coding-DNA position 1892, C replaced by T.
Protein change: p.Thr631Ile; replaces threonine 631 with isoleucine.
Molecular consequence: missense variant.
Genome position (GRCh38, 1-based): chr14:87,939,924, G>A on the plus strand (C>T on the coding strand, the complement: GALC is on the minus strand). VCF-style: chr14-87939924-G-A. GRCh37 (hg19) VCF-style: chr14-88406268-G-A.
Other names: c.1823C>T, p.Thr608Ile (NM_001201401.2); c.1814C>T, p.Thr605Ile (NM_001201402.2); short protein forms T631I, T608I, T605I.
Identifiers: ClinVar variation 2069161 (VCV002069161.4), dbSNP rs1884764483, ClinGen allele CA390745435.
Genomic context (GRCh38, chr14:87,939,924, plus strand): 5'-AAAGAGCATTTTACCTCCAGACTCCAATCAGCAATACTTACCTTAATAGTTAACGTGAGT[G>A]TATACCATTTTTTTGCTGTAACTTCAACACGTCCTAAAGCATATATAATCCATCCAGCTG-3'
Protein context (NP_000144.2, residues 621-641): RVEVTAKKWY[Thr631Ile]LTLTIKGHFT

ClinVar aggregate classification (germline): Uncertain significance (1 of 4 stars; one submission).

Conditions:
Galactosylceramide beta-galactosidase deficiency. Also called: GALACTOCEREBROSIDASE DEFICIENCY; GALC DEFICIENCY; GLOBOID CELL LEUKOENCEPHALOPATHY; Leukodystrophy, Globoid Cell; Krabbe Disease. Identifiers: Orphanet 487, MedGen C0023521, MONDO:0009499, OMIM 245200.

Allele frequency attached by ClinVar (database versions not stated): TOPMed below 0.00001.

Submission:

Labcorp Genetics (formerly Invitae), Labcorp
Classification: Uncertain significance for Galactosylceramide beta-galactosidase deficiency. Last evaluated: 2022-12-02. Review status: criteria provided, single submitter. Criteria: Invitae Variant Classification Sherloc (09022015). Collection method: clinical testing. Allele origin: germline.
Comment: In summary, the available evidence is currently insufficient to determine the role of this variant in disease. Therefore, it has been classified as a Variant of Uncertain Significance. Advanced modeling of protein sequence and biophysical properties (such as structural, functional, and spatial information, amino acid conservation, physicochemical variation, residue mobility, and thermodynamic stability) performed at Invitae indicates that this missense variant is expected to disrupt GALC protein function. This variant has not been reported in the literature in individuals affected with GALC-related conditions. This variant is not present in population databases (gnomAD no frequency). This sequence change replaces threonine, which is neutral and polar, with isoleucine, which is neutral and non-polar, at codon 631 of the GALC protein (p.Thr631Ile).